The following is an entry in ClinVar:

NM_000334.4(SCN4A):c.512A>G (p.Glu171Gly)

Gene: SCN4A (sodium voltage-gated channel alpha subunit 4; minus strand). Cytogenetic location: 17q23.3.
Variant type: single nucleotide variant.
Coding change: c.512A>G on transcript NM_000334.4 (MANE Select); coding-DNA position 512, A replaced by G.
Protein change: p.Glu171Gly; replaces glutamic acid 171 with glycine.
Molecular consequence: missense variant.
Genome position (GRCh38, 1-based): chr17:63,971,821, T>C on the plus strand (A>G on the coding strand, the complement: SCN4A is on the minus strand). VCF-style: chr17-63971821-T-C. GRCh37 (hg19) VCF-style: chr17-62049181-T-C.
Other names: short protein forms E171G.
Identifiers: ClinVar variation 4849039 (VCV004849039.1).

ClinVar aggregate classification (germline): Uncertain significance (1 of 4 stars; one submission).

Submission:

Women's Health and Genetics/Laboratory Corporation of America, LabCorp
Classification: Uncertain significance. Last evaluated: 2026-04-27. Review status: criteria provided, single submitter. Criteria: LabCorp Variant Classification Summary - May 2015. Collection method: clinical testing. Allele origin: germline.
Comment: Variant summary: SCN4A c.512A>G (p.Glu171Gly) results in a non-conservative amino acid change in the encoded protein sequence. Algorithms developed to predict the effect of missense changes on protein structure and function all suggest that this variant is likely to be disruptive. The variant was absent in 248596 control chromosomes. The available data on variant occurrences in the general population are insufficient to allow any conclusion about variant significance. To our knowledge, no occurrence of c.512A>G in individuals affected with SCN4A-related conditions and no experimental evidence demonstrating its impact on protein function have been reported. No submitters have cited clinical-significance assessments for this variant to ClinVar. Based on the evidence outlined above, the variant was classified as uncertain significance.